The following is an entry in ClinVar:

ClinVar aggregate classification (germline): Uncertain significance (1 of 4 stars; one submission).

gnomAD v4.1: 3 of 1,613,954 alleles (0.00019%); highest among the groups gnomAD compares: Admixed American, 0.0033%; no homozygotes.

Submission:

Labcorp Genetics (formerly Invitae), Labcorp
Classification: Uncertain significance. Last evaluated: 2023-10-23. Review status: criteria provided, single submitter. Criteria: Invitae Variant Classification Sherloc (09022015). Collection method: clinical testing. Allele origin: germline.
Comment: This sequence change replaces alanine, which is neutral and non-polar, with glutamic acid, which is acidic and polar, at codon 524 of the PLG protein (p.Ala524Glu). This variant is present in population databases (no rsID available, gnomAD 0.006%). This variant has not been reported in the literature in individuals affected with PLG-related conditions. Advanced modeling of protein sequence and biophysical properties (such as structural, functional, and spatial information, amino acid conservation, physicochemical variation, residue mobility, and thermodynamic stability) performed at Invitae indicates that this missense variant is not expected to disrupt PLG protein function. In summary, the available evidence is currently insufficient to determine the role of this variant in disease. Therefore, it has been classified as a Variant of Uncertain Significance.

NM_000301.5(PLG):c.1571C>A (p.Ala524Glu)

Gene: PLG (plasminogen; plus strand). Cytogenetic location: 6q26.
Variant type: single nucleotide variant.
Coding change: c.1571C>A on transcript NM_000301.5 (MANE Select); coding-DNA position 1571, C replaced by A.
Protein change: p.Ala524Glu; replaces alanine 524 with glutamic acid.
Molecular consequence: missense variant.
Genome position (GRCh38, 1-based): chr6:160,731,877, C>A. VCF-style: chr6-160731877-C-A. GRCh37 (hg19) VCF-style: chr6-161152909-C-A.
Other names: short protein forms A524E.
Identifiers: ClinVar variation 2990600 (VCV002990600.3), dbSNP rs1413137211, ClinGen allele CA366364226.